The following is an entry in ClinVar:

NM_020529.3(NFKBIA):c.95G>A (p.Ser32Asn)

Gene: NFKBIA (NFKB inhibitor alpha; minus strand). Cytogenetic location: 14q13.2.
Variant type: single nucleotide variant.
Coding change: c.95G>A on transcript NM_020529.3 (MANE Select); coding-DNA position 95, G replaced by A.
Protein change: p.Ser32Asn; replaces serine 32 with asparagine.
Molecular consequence: missense variant.
Genome position (GRCh38, 1-based): chr14:35,404,550, C>T on the plus strand (G>A on the coding strand, the complement: NFKBIA is on the minus strand). VCF-style: chr14-35404550-C-T. GRCh37 (hg19) VCF-style: chr14-35873756-C-T.
Other names: short protein forms S32N.
Identifiers: ClinVar variation 590311 (VCV000590311.42), dbSNP rs28933100, ClinGen allele CA389455323.

ClinVar aggregate classification (germline): Pathogenic. Review status: criteria provided, multiple submitters, no conflicts (2 of 4 stars). 3 submissions from 3 submitters: Pathogenic (2). 1 of the submissions does not count toward it. Last evaluated 2022-02-01.

Conditions:
Ectodermal dysplasia and immunodeficiency 2. Identifiers: Orphanet 238468, Orphanet 98813, MedGen C2677481, MONDO:0012806, OMIM 612132.

Submissions (3):

CeGaT Center for Human Genetics Tuebingen
Classification: Pathogenic. Last evaluated: 2022-02-01. Review status: criteria provided, single submitter. Criteria: CeGaT Center For Human Genetics Tuebingen Variant Classification Criteria Version 2. Collection method: clinical testing. Allele origin: germline. Affected: yes. Observed: 1 variant allele.

Labcorp Genetics (formerly Invitae), Labcorp
Classification: Pathogenic for Ectodermal dysplasia and immunodeficiency 2. Last evaluated: 2022-01-28. Review status: criteria provided, single submitter. Criteria: Invitae Variant Classification Sherloc (09022015). Collection method: clinical testing. Allele origin: germline.
Comment: For these reasons, this variant has been classified as Pathogenic. This variant disrupts the p.Ser32 amino acid residue in NFKBIA. Other variant(s) that disrupt this residue have been determined to be pathogenic (PMID: 25601653, 29948576). This suggests that this residue is clinically significant, and that variants that disrupt this residue are likely to be disease-causing. Experimental studies have shown that this missense change affects NFKBIA function (PMID: 29948576). Algorithms developed to predict the effect of missense changes on protein structure and function are either unavailable or do not agree on the potential impact of this missense change (SIFT: "Deleterious"; PolyPhen-2: "Possibly Damaging"; Align-GVGD: "Class C0"). ClinVar contains an entry for this variant (Variation ID: 590311). This missense change has been observed in individual(s) with ectodermal dysplasia with immunodeficiency (PMID: 29948576). In at least one individual the variant was observed to be de novo. This variant is not present in population databases (gnomAD no frequency). This sequence change replaces serine, which is neutral and polar, with asparagine, which is neutral and polar, at codon 32 of the NFKBIA protein (p.Ser32Asn).

OMIM
Classification: Pathogenic for ECTODERMAL DYSPLASIA AND IMMUNODEFICIENCY 2. Last evaluated: 2023-09-28. Review status: no assertion criteria provided. Collection method: literature only. Allele origin: germline. Not counted in ClinVar's aggregate classification.

Literature cited by the submitters: PubMed 25601653 (cited by Labcorp Genetics (formerly Invitae), Labcorp); PubMed 29948576 (cited by Labcorp Genetics (formerly Invitae), Labcorp and OMIM).